The following is an entry in ClinVar:

ClinVar aggregate classification (germline): Uncertain significance (1 of 4 stars; one submission).

Submission:

Labcorp Genetics (formerly Invitae), Labcorp
Classification: Uncertain significance. Last evaluated: 2024-08-12. Review status: criteria provided, single submitter. Criteria: Invitae Variant Classification Sherloc (09022015). Collection method: clinical testing. Allele origin: germline.
Comment: This sequence change replaces threonine, which is neutral and polar, with serine, which is neutral and polar, at codon 8 of the VDR protein (p.Thr8Ser). This variant is present in population databases (rs766835351, gnomAD 0.006%). This variant has not been reported in the literature in individuals affected with VDR-related conditions. An algorithm developed to predict the effect of missense changes on protein structure and function (PolyPhen-2) suggests that this variant is likely to be tolerated. In summary, the available evidence is currently insufficient to determine the role of this variant in disease. Therefore, it has been classified as a Variant of Uncertain Significance.

NM_000376.3(VDR):c.23C>G (p.Thr8Ser)

Gene: VDR (vitamin D receptor; minus strand). Cytogenetic location: 12q13.11.
Variant type: single nucleotide variant.
Coding change: c.23C>G on transcript NM_000376.3 (MANE Select); coding-DNA position 23, C replaced by G.
Protein change: p.Thr8Ser; replaces threonine 8 with serine.
Molecular consequence: missense variant.
Genome position (GRCh38, 1-based): chr12:47,879,091, G>C on the plus strand (C>G on the coding strand, the complement: VDR is on the minus strand). VCF-style: chr12-47879091-G-C. GRCh37 (hg19) VCF-style: chr12-48272874-G-C.
Other names: c.23C>G, p.Thr8Ser (NM_001017535.2, NM_001364085.2, NM_001374661.1 and 1 more transcripts); c.173C>G, p.Thr58Ser (NM_001017536.2); short protein forms T58S, T8S.
Identifiers: ClinVar variation 3712566 (VCV003712566.2).